The following is an entry in ClinVar:

ClinVar aggregate classification (germline): Likely pathogenic (1 of 4 stars; one submission).

Conditions:
Myopathy, proximal, and ophthalmoplegia (CMYO6). Also called: CONGENITAL MYOPATHY 6 WITH OPHTHALMOPLEGIA; MYOPATHY WITH CONGENITAL JOINT CONTRACTURES, OPHTHALMOPLEGIA, AND RIMMED VACUOLES; INCLUSION BODY MYOPATHY 3, AUTOSOMAL DOMINANT. Identifiers: Orphanet 363677, Orphanet 79091, MedGen C1854106, MONDO:0011577, OMIM 605637.

gnomAD v4.1: 1 of 1,614,076 alleles (0.000062%); highest among the groups gnomAD compares: Non-Finnish European, 0.000085%; no homozygotes.

Submission:

Juno Genomics, Hangzhou Juno Genomics, Inc
Classification: Likely pathogenic for Myopathy, proximal, and ophthalmoplegia. Review status: criteria provided, single submitter. Criteria: ACMG Guidelines, 2015. Collection method: clinical testing. Allele origin: germline.
Comment: Null variant in a gene where loss of function (LOF) is a known mechanism of disease.;Absent from controls (or at extremely low frequency if recessive) in Genome Aggregation Database.

NM_017534.6(MYH2):c.4516C>T (p.Arg1506Ter)

Genes: MYH2 (myosin heavy chain 2; minus strand), MYHAS (myosin heavy chain gene cluster antisense RNA; plus strand), LOC126862500 (BRD4-independent group 4 enhancer GRCh37_chr17:10427829-10429028; plus strand). Cytogenetic location: 17p13.1.
Variant type: single nucleotide variant.
Coding change: c.4516C>T on transcript NM_017534.6 (MANE Select); coding-DNA position 4516, C replaced by T.
Protein change: p.Arg1506Ter; replaces arginine 1506 with a stop codon.
Molecular consequence: nonsense.
Genome position (GRCh38, 1-based): chr17:10,525,472, G>A on the plus strand (C>T on the coding strand, the complement: MYH2 is on the minus strand). VCF-style: chr17-10525472-G-A. GRCh37 (hg19) VCF-style: chr17-10428789-G-A.
Other names: c.4516C>T, p.Arg1506Ter (NM_001100112.2); short protein forms R1506*.
Identifiers: ClinVar variation 5005672 (VCV005005672.2).